The following is an entry in ClinVar:

NM_018191.4(RCBTB1):c.1361G>C (p.Arg454Thr)

Gene: RCBTB1 (RCC1 and BTB domain containing protein 1; minus strand). Cytogenetic location: 13q14.2.
Variant type: single nucleotide variant.
Coding change: c.1361G>C on transcript NM_018191.4 (MANE Select); coding-DNA position 1361, G replaced by C.
Protein change: p.Arg454Thr; replaces arginine 454 with threonine.
Molecular consequence: missense variant. On other transcripts: non-coding transcript variant (2).
Genome position (GRCh38, 1-based): chr13:49,540,970, C>G on the plus strand (G>C on the coding strand, the complement: RCBTB1 is on the minus strand). VCF-style: chr13-49540970-C-G. GRCh37 (hg19) VCF-style: chr13-50115106-C-G.
Other names: c.1361G>C, p.Arg454Thr (NM_001352500.2, NM_001352501.2, NM_001352502.2 and 2 more transcripts); c.782G>C, p.Arg261Thr (NM_001352506.2); short protein forms R261T, R454T.
Identifiers: ClinVar variation 1507333 (VCV001507333.8), dbSNP rs1960311182, ClinGen allele CA388186783.

ClinVar aggregate classification (germline): Uncertain significance (1 of 4 stars; one submission).

Allele frequency attached by ClinVar (database versions not stated): gnomAD exomes below 0.00001.

Submission:

Labcorp Genetics (formerly Invitae), Labcorp
Classification: Uncertain significance. Last evaluated: 2021-07-24. Review status: criteria provided, single submitter. Criteria: Invitae Variant Classification Sherloc (09022015). Collection method: clinical testing. Allele origin: germline.
Comment: In summary, the available evidence is currently insufficient to determine the role of this variant in disease. Therefore, it has been classified as a Variant of Uncertain Significance. Algorithms developed to predict the effect of missense changes on protein structure and function are either unavailable or do not agree on the potential impact of this missense change (SIFT: "Deleterious"; PolyPhen-2: "Benign"; Align-GVGD: "Class C0"). This variant has not been reported in the literature in individuals affected with RCBTB1-related conditions. This variant is not present in population databases (ExAC no frequency). This sequence change replaces arginine with threonine at codon 454 of the RCBTB1 protein (p.Arg454Thr). The arginine residue is highly conserved and there is a moderate physicochemical difference between arginine and threonine.